The following is an entry in ClinVar:

NM_144573.4(NEXN):c.782dup (p.Asn261fs)

Gene: NEXN (nexilin F-actin binding protein; plus strand). Cytogenetic location: 1p31.1.
Variant type: Duplication.
Coding change: c.782dup on transcript NM_144573.4 (MANE Select); coding-DNA position 782, one base duplicated (A; older notation c.782dupA).
Protein change: p.Asn261fs; shifts the reading frame from asparagine 261.
Molecular consequence: frameshift variant.
Genome position (GRCh38, 1-based): chr1:77,926,810, A duplicated; the last of 4 consecutive A bases (chr1:77,926,807-77,926,810); duplicating any one gives the same sequence. VCF-style (leftmost placement, unchanged base first): chr1-77926806-G-GA. GRCh37 (hg19) VCF-style: chr1-78392491-G-GA.
Other names: c.590dup, p.Asn197fs (NM_001172309.2); c.782dupA (NM_144573.3); short protein forms N197fs, N261fs.
Identifiers: ClinVar variation 3919100 (VCV003919100.1).
Genomic context (GRCh38, chr1:77,926,806, plus strand): 5'-GAATCACTTTCTCCCGGAAAATTGAAACTAACTTTTGAAGAACTGGAGCGACAAAGACAA[G>GA]AAAACCGAAAGAAGCAAGCTGAAGAGGAAGCAAGAAAACGTTTAGAAGAAGAGAAGCGTG-3'

ClinVar aggregate classification (germline): Uncertain significance (1 of 4 stars; one submission).

Conditions:
Cardiovascular phenotype. Identifiers: MedGen CN230736.

Submission:

Ambry Genetics
Classification: Uncertain significance for Cardiovascular phenotype. Last evaluated: 2025-04-17. Review status: criteria provided, single submitter. Criteria: Ambry Variant Classification Scheme 2023. Collection method: clinical testing. Allele origin: germline.
Comment: The c.782dupA variant, located in coding exon 7 of the NEXN gene, results from a duplication of A at nucleotide position 782, causing a translational frameshift with a predicted alternate stop codon (p.N261Kfs*7). This alteration is expected to result in loss of function by premature protein truncation or nonsense-mediated mRNA decay. Although biallelic loss of function of NEXN has been associated with autosomal recessive NEXN-related cardiomyopathy, haploinsufficiency of NEXN has not been established as a mechanism of disease for autosomal dominant NEXN-related cardiomyopathy. Based on the supporting evidence, this variant is expected to be causative of autosomal recessive NEXN-related cardiomyopathy when present along with a second pathogenic variant on the other allele; however, its clinical significance for autosomal dominant NEXN-related cardiomyopathy is unclear.